The following is an entry in ClinVar:

NM_000618.5(IGF1):c.*4107T>C

Genes: LINC02456 (long intergenic non-protein coding RNA 2456; plus strand), IGF1 (insulin like growth factor 1; minus strand). Cytogenetic location: 12q23.2.
Variant type: single nucleotide variant.
Coding change: c.*4107T>C on transcript NM_000618.5 (MANE Select); 4107 bases downstream of the stop codon, T replaced by C.
Molecular consequence: 3 prime UTR variant.
Genome position (GRCh38, 1-based): chr12:102,398,400, A>G on the plus strand (T>C on the coding strand, the complement: IGF1 is on the minus strand). VCF-style: chr12-102398400-A-G. GRCh37 (hg19) VCF-style: chr12-102792178-A-G.
Other names: c.*4141T>C (NM_001111283.3); c.*4107T>C (NM_001111284.2).
Identifiers: ClinVar variation 306860 (VCV000306860.5), dbSNP rs17884961, ClinGen allele CA10639946.
Genomic context (GRCh38, chr12:102,398,400, plus strand): 5'-GCAGAAGCTATTTTTTGCAGGTAAATCTATGTATTTTTTCTCTTTGTTCTTATTTTCTCC[A>G]CTTGCTGAATATCTGTTTTAGAGCAGAGTGCACAAAAATCAATAAGGAACTTACTTATCT-3'

ClinVar aggregate classification (germline): Likely benign (1 of 4 stars; one submission).

Conditions:
Growth delay due to insulin-like growth factor type 1 deficiency (IGF1D). Also called: GROWTH RETARDATION WITH SENSORINEURAL DEAFNESS AND MENTAL RETARDATION; IGF1 DEFICIENCY. Identifiers: Orphanet 73272, MedGen C1837475, MONDO:0012110, OMIM 608747.

Allele frequency attached by ClinVar (database versions not stated): 1000 Genomes Project 0.00399; 1000 Genomes Project 30x 0.00453; gnomAD 0.00515 and 0.00564; TOPMed 0.00599.

Submission:

Illumina Laboratory Services, Illumina
Classification: Likely benign for Growth delay due to insulin-like growth factor type 1 deficiency. Last evaluated: 2018-01-12. Review status: criteria provided, single submitter. Criteria: ICSL Variant Classification Criteria 13 December 2019. Collection method: clinical testing. Allele origin: germline.
Comment: This variant was observed in the ICSL laboratory as part of a predisposition screen in an ostensibly healthy population. It had not been previously curated by ICSL or reported in the Human Gene Mutation Database (HGMD: prior to June 1st, 2018), and was therefore a candidate for classification through an automated scoring system. Utilizing variant allele frequency, disease prevalence and penetrance estimates, and inheritance mode, an automated score was calculated to assess if this variant is too frequent to cause the disease. Based on the score and internal cut-off values, a variant classified as likely benign is not then subjected to further curation. The score for this variant resulted in a classification of likely benign for this disease.